The following is an entry in ClinVar:

ClinVar aggregate classification (germline): Pathogenic (1 of 4 stars; one submission).

Conditions:
Cardiovascular phenotype. Identifiers: MedGen CN230736.
Hereditary cancer-predisposing syndrome. Also called: Neoplastic Syndromes, Hereditary; Tumor predisposition; Hereditary neoplastic syndrome; Hereditary Cancer Syndrome. Identifiers: Orphanet 140162, MedGen C0027672, MeSH D009386, MONDO:0015356.

Submission:

Ambry Genetics
Classification: Pathogenic for Cardiovascular phenotype; Hereditary cancer-predisposing syndrome. Last evaluated: 2026-07-21. Review status: criteria provided, single submitter. Criteria: Ambry Variant Classification Scheme 2023. Collection method: clinical testing. Allele origin: germline.
Comment: The c.7368_7372delCATTC pathogenic mutation, located in coding exon 49 of the NF1 gene, results from a deletion of 5 nucleotides at nucleotide positions 7368 to 7372, causing a translational frameshift with a predicted alternate stop codon (p.I2457Sfs*3). This variant was reported in individual(s) with features consistent with Neurofibromatosis type 1 (Ambry internal data). This variant is considered to be rare based on population cohorts in the Genome Aggregation Database (gnomAD). This variant is expected to result in loss of function by premature protein truncation or nonsense-mediated mRNA decay. As such, this variant is interpreted as a disease-causing mutation.

NM_001042492.3(NF1):c.7431_7435del (p.Ile2478fs)

Gene: NF1 (neurofibromin 1; plus strand). Cytogenetic location: 17q11.2.
Variant type: Deletion.
Coding change: c.7431_7435del on transcript NM_001042492.3 (MANE Select); coding-DNA positions 7431 to 7435, 5 bases deleted (CATTC; older notation c.7431_7435delCATTC).
Protein change: p.Ile2478fs; shifts the reading frame from isoleucine 2478.
Molecular consequence: frameshift variant.
Genome position (GRCh38, 1-based): chr17:31,350,292-31,350,296, CATTC deleted; deleting any 5 consecutive bases within chr17:31,350,291-31,350,296 gives the same sequence; the c. name uses the placement nearest the transcript's 3' end. VCF-style (leftmost placement, unchanged base first): chr17-31350290-CCCATT-C. GRCh37 (hg19) VCF-style: chr17-29677308-CCCATT-C.
Other names: c.7368_7372del, p.Ile2457fs (NM_000267.4); short protein forms I2457fs, I2478fs.
Identifiers: ClinVar variation 5025527 (VCV005025527.1).
Genomic context (GRCh38, chr17:31,350,290, plus strand): 5'-CATAGAAAGTCACTTCTTCTTACTGATATTTCAATGGAAAATGTTCCTATGGATACATAT[CCCATT>C]CATCATGGTGACCCTTCCTATAGGTAAGTGGATTTACTCTCCTATAATTACATAATCATA-3'